The following is an entry in ClinVar:

ClinVar aggregate classification (germline): Uncertain significance. Review status: criteria provided, multiple submitters, no conflicts (2 of 4 stars). 2 submissions from 2 submitters: Uncertain significance (2). Last evaluated 2025-02-16.

Allele frequency attached by ClinVar (database versions not stated): gnomAD 0.00001; gnomAD exomes 0.00001; ExAC 0.00002.
gnomAD v4.1: 4 of 1,614,014 alleles (0.00025%); highest among the groups gnomAD compares: East Asian, 0.0022%; no homozygotes.

Submissions (2):

Ambry Genetics
Classification: Uncertain significance. Last evaluated: 2025-02-16. Review status: criteria provided, single submitter. Criteria: Ambry Variant Classification Scheme 2023. Collection method: clinical testing. Allele origin: germline.
Comment: The p.G190V variant (also known as c.569G>T), located in coding exon 5 of the SRP72 gene, results from a G to T substitution at nucleotide position 569. The glycine at codon 190 is replaced by valine, an amino acid with dissimilar properties. This amino acid position is conserved. In addition, this alteration is predicted to be deleterious by in silico analysis. Based on the available evidence, the clinical significance of this variant remains unclear.

GeneDx
Classification: Uncertain significance. Last evaluated: 2023-04-24. Review status: criteria provided, single submitter. Criteria: GeneDx Variant Classification Process June 2021. Collection method: clinical testing. Allele origin: germline. Affected: yes.
Comment: Not observed at significant frequency in large population cohorts (gnomAD); In silico analysis supports that this missense variant has a deleterious effect on protein structure/function; Has not been previously published as pathogenic or benign to our knowledge

NM_006947.4(SRP72):c.569G>T (p.Gly190Val)

Gene: SRP72 (signal recognition particle 72; plus strand). Cytogenetic location: 4q12.
Variant type: single nucleotide variant.
Coding change: c.569G>T on transcript NM_006947.4 (MANE Select); coding-DNA position 569, G replaced by T.
Protein change: p.Gly190Val; replaces glycine 190 with valine.
Molecular consequence: missense variant. On other transcripts: non-coding transcript variant (1).
Genome position (GRCh38, 1-based): chr4:56,474,350, G>T. VCF-style: chr4-56474350-G-T. GRCh37 (hg19) VCF-style: chr4-57340516-G-T.
Other names: c.569G>T, p.Gly190Val (NM_001267722.2); short protein forms G190V.
Identifiers: ClinVar variation 2663472 (VCV002663472.2), dbSNP rs762089514, ClinGen allele CA2931103.